The following is an entry in ClinVar:

ClinVar aggregate classification (germline): Conflicting classifications of pathogenicity. Review status: criteria provided, conflicting classifications (1 of 4 stars). 3 submissions from 3 submitters: Uncertain significance (1); Likely benign (2). Last evaluated 2026-06-01.

Conditions:
Inborn genetic diseases. Identifiers: MedGen C0950123, MeSH D030342.

Allele frequency attached by ClinVar (database versions not stated): gnomAD 0.00032 and 0.00036; ExAC 0.00041; TOPMed 0.00043; ESP Exome Variant Server 0.00044; gnomAD exomes 0.00044; 1000 Genomes Project 0.00080.

Submissions (3):

CeGaT Center for Human Genetics Tuebingen
Classification: Likely benign. Last evaluated: 2026-06-01. Review status: criteria provided, single submitter. Criteria: CeGaT Center For Human Genetics Tuebingen Variant Classification Criteria Version 2. Collection method: clinical testing. Allele origin: germline. Affected: yes. Observed: 1 variant allele.
Comment: PIEZO2: BP4, BS2

Labcorp Genetics (formerly Invitae), Labcorp
Classification: Likely benign. Last evaluated: 2025-05-18. Review status: criteria provided, single submitter. Criteria: Invitae Variant Classification Sherloc (09022015). Collection method: clinical testing. Allele origin: germline.

Ambry Genetics
Classification: Uncertain significance for Inborn genetic diseases. Last evaluated: 2024-02-05. Review status: criteria provided, single submitter. Criteria: Ambry Variant Classification Scheme 2023. Collection method: clinical testing. Allele origin: germline.

NM_001378183.1(PIEZO2):c.3014G>A (p.Arg1005His)

Gene: PIEZO2 (piezo type mechanosensitive ion channel component 2; minus strand). Cytogenetic location: 18p11.22.
Variant type: single nucleotide variant.
Coding change: c.3014G>A on transcript NM_001378183.1 (MANE Select); coding-DNA position 3014, G replaced by A.
Protein change: p.Arg1005His; replaces arginine 1005 with histidine.
Molecular consequence: missense variant.
Genome position (GRCh38, 1-based): chr18:10,763,031, C>T on the plus strand (G>A on the coding strand, the complement: PIEZO2 is on the minus strand). VCF-style: chr18-10763031-C-T. GRCh37 (hg19) VCF-style: chr18-10763029-C-T.
Other names: c.2939G>A, p.Arg980His (NM_022068.4); c.2939G>A (NM_022068.2); short protein forms R980H, R1005H.
Identifiers: ClinVar variation 782162 (VCV000782162.11), dbSNP rs200121260, ClinGen allele CA8892596.